The following is an entry in ClinVar:

NM_012193.4(FZD4):c.347C>T (p.Pro116Leu)

Genes: FZD4 (frizzled class receptor 4; minus strand), PRSS23 (serine protease 23; plus strand). Cytogenetic location: 11q14.2.
Variant type: single nucleotide variant.
Coding change: c.347C>T on transcript NM_012193.4 (MANE Select); coding-DNA position 347, C replaced by T.
Protein change: p.Pro116Leu; replaces proline 116 with leucine.
Molecular consequence: missense variant. On other transcripts: non-coding transcript variant (2).
Genome position (GRCh38, 1-based): chr11:86,952,409, G>A on the plus strand (C>T on the coding strand, the complement: FZD4 is on the minus strand). VCF-style: chr11-86952409-G-A. GRCh37 (hg19) VCF-style: chr11-86663451-G-A.
Other names: short protein forms P116L.
Identifiers: ClinVar variation 1428501 (VCV001428501.6), dbSNP rs2135041935, ClinGen allele CA382017119.

ClinVar aggregate classification (germline): Uncertain significance (1 of 4 stars; one submission).

Submission:

Labcorp Genetics (formerly Invitae), Labcorp
Classification: Uncertain significance. Last evaluated: 2023-09-09. Review status: criteria provided, single submitter. Criteria: Invitae Variant Classification Sherloc (09022015). Collection method: clinical testing. Allele origin: germline.
Comment: ClinVar contains an entry for this variant (Variation ID: 1428501). This sequence change replaces proline, which is neutral and non-polar, with leucine, which is neutral and non-polar, at codon 116 of the FZD4 protein (p.Pro116Leu). This variant is not present in population databases (gnomAD no frequency). This variant has not been reported in the literature in individuals affected with FZD4-related conditions. Advanced modeling of protein sequence and biophysical properties (such as structural, functional, and spatial information, amino acid conservation, physicochemical variation, residue mobility, and thermodynamic stability) has been performed at Invitae for this missense variant, however the output from this modeling did not meet the statistical confidence thresholds required to predict the impact of this variant on FZD4 protein function. In summary, the available evidence is currently insufficient to determine the role of this variant in disease. Therefore, it has been classified as a Variant of Uncertain Significance.